The following is an entry in ClinVar:

ClinVar aggregate classification (germline): Uncertain significance (1 of 4 stars; one submission).

Submission:

Geisinger Autism and Developmental Medicine Institute, Geisinger Health System
Classification: Uncertain significance. Last evaluated: 2018-03-19. Review status: criteria provided, single submitter. Criteria: ACMG CNV Guidelines, 2011. Collection method: provider interpretation. Allele origin: unknown.
Comment: This duplication is within cytogenetic band 16p13.3. The duplication includes 15 entire genes and the portion of two additional genes. Four genes are associated with clinical conditions - TSC2, PKD1, ABCA3, and TBC1D24. A portion of TSC2 is included in this duplication. Heterozygous loss of function variants in TSC2 are associated with tuberous sclerosis-2 and heterozygous loss of function variants in PKD1 are associated with adult type 1 polycystic kidney disease. ABCA3 is associated with autsomal recessive pulmonary surfactant metabolism dysfunction, and TBC1D24 is associated with several autosomal recessive conditions including early infantile epileptic encephalopathy, familial infantile myoclonic epilepsy, autosomal recessive deaness, and DOOR syndrome. Slightly larger duplications have been reported in DECIPHER in an individual with a kidney abnormality and mild intellectual disability (Case 263885) and in the general population in a single individual (chr16:2124547-2679656). No smaller overlapping duplications have been reported.

Single allele

Genes: ABCA3 (ATP binding cassette subfamily A member 3; minus strand), BRICD5 (BRICHOS domain containing 5; minus strand), CASKIN1 (CASK interacting protein 1; minus strand), CCNF (cyclin F; plus strand), DNASE1L2 (deoxyribonuclease 1 like 2; plus strand) and 13 more. Cytogenetic location: 16p13.3.
Variant type: Duplication.
Identifiers: ClinVar variation 560100 (VCV000560100.3).